The following is an entry in ClinVar:

ClinVar aggregate classification (germline): Uncertain significance. Review status: criteria provided, multiple submitters, no conflicts (2 of 4 stars). 2 submissions from 2 submitters: Uncertain significance (2). Last evaluated 2026-01-01.

Conditions:
DICER1-related tumor predisposition. Also called: DICER1-related pleuropulmonary blastoma cancer predisposition syndrome; DICER1 syndrome. Identifiers: Orphanet 284343, MedGen C3839822, MONDO:0100216.
Hereditary cancer-predisposing syndrome. Also called: Hereditary Cancer Syndrome; Tumor predisposition; Neoplastic Syndromes, Hereditary; Hereditary neoplastic syndrome. Identifiers: Orphanet 140162, MedGen C0027672, MeSH D009386, MONDO:0015356.

Submissions (2):

Labcorp Genetics (formerly Invitae), Labcorp
Classification: Uncertain significance for DICER1-related tumor predisposition. Last evaluated: 2026-01-01. Review status: criteria provided, single submitter. Criteria: Invitae Variant Classification Sherloc (09022015). Collection method: clinical testing. Allele origin: germline.
Comment: This sequence change replaces tryptophan, which is neutral and slightly polar, with leucine, which is neutral and non-polar, at codon 400 of the DICER1 protein (p.Trp400Leu). This variant is not present in population databases (gnomAD no frequency). This variant has not been reported in the literature in individuals affected with DICER1-related conditions. ClinVar contains an entry for this variant (Variation ID: 3229305). Invitae Evidence Modeling of protein sequence and biophysical properties (such as structural, functional, and spatial information, amino acid conservation, physicochemical variation, residue mobility, and thermodynamic stability) indicates that this missense variant is not expected to disrupt DICER1 protein function with a negative predictive value of 95%. In summary, the available evidence is currently insufficient to determine the role of this variant in disease. Therefore, it has been classified as a Variant of Uncertain Significance.

Ambry Genetics
Classification: Uncertain significance for Hereditary cancer-predisposing syndrome. Last evaluated: 2023-11-06. Review status: criteria provided, single submitter. Criteria: Ambry Variant Classification Scheme 2023. Collection method: clinical testing. Allele origin: germline.
Comment: The p.W400L variant (also known as c.1199G>T), located in coding exon 7 of the DICER1 gene, results from a G to T substitution at nucleotide position 1199. The tryptophan at codon 400 is replaced by leucine, an amino acid with similar properties. This amino acid position is conserved. In addition, the in silico prediction for this alteration is inconclusive. Since supporting evidence is limited at this time, the clinical significance of this alteration remains unclear.

NM_177438.3(DICER1):c.1199G>T (p.Trp400Leu)

Gene: DICER1 (dicer 1, ribonuclease III; minus strand). Cytogenetic location: 14q32.13.
Variant type: single nucleotide variant.
Coding change: c.1199G>T on transcript NM_177438.3 (MANE Select); coding-DNA position 1199, G replaced by T.
Protein change: p.Trp400Leu; replaces tryptophan 400 with leucine.
Molecular consequence: missense variant. On other transcripts: non-coding transcript variant (6), 5 prime UTR variant (1).
Genome position (GRCh38, 1-based): chr14:95,124,373, C>A on the plus strand (G>T on the coding strand, the complement: DICER1 is on the minus strand). VCF-style: chr14-95124373-C-A. GRCh37 (hg19) VCF-style: chr14-95590710-C-A.
Other names: c.1199G>T, p.Trp400Leu (NM_001395693.1, NM_001395694.1, NM_001395695.1 and 15 more transcripts); c.794G>T, p.Trp265Leu (NM_001395696.1, NM_001395698.1, NM_001395687.1 and 3 more transcripts); c.-370G>T (NM_001395697.1); c.917G>T, p.Trp306Leu (NM_001395686.1); c.632G>T, p.Trp211Leu (NM_001395691.1); short protein forms W211L, W265L, W306L, W400L.
Identifiers: ClinVar variation 3229305 (VCV003229305.2), dbSNP rs2140203532, ClinGen allele CA390886734.